The following is an entry in ClinVar:

ClinVar aggregate classification (germline): Uncertain significance (1 of 4 stars; one submission).

Conditions:
Inborn genetic diseases. Identifiers: MedGen C0950123, MeSH D030342.

gnomAD v4.1: 9 of 1,598,118 alleles (0.00056%); highest among the groups gnomAD compares: Non-Finnish European, 0.00077%; no homozygotes.

Submission:

Ambry Genetics
Classification: Uncertain significance for Inborn genetic diseases. Last evaluated: 2025-11-08. Review status: criteria provided, single submitter. Criteria: Ambry Variant Classification Scheme 2023. Collection method: clinical testing. Allele origin: germline.
Comment: The p.E1535G variant (also known as c.4604A>G), located in coding exon 18 of the FANCM gene, results from an A to G substitution at nucleotide position 4604. The glutamic acid at codon 1535 is replaced by glycine, an amino acid with similar properties. This amino acid position is conserved. In addition, this alteration is predicted to be tolerated by in silico analysis. Based on the available evidence, the clinical significance of this variant remains unclear.

NM_020937.4(FANCM):c.4604A>G (p.Glu1535Gly)

Gene: FANCM (FA complementation group M; plus strand). Cytogenetic location: 14q21.2.
Variant type: single nucleotide variant.
Coding change: c.4604A>G on transcript NM_020937.4 (MANE Select); coding-DNA position 4604, A replaced by G.
Protein change: p.Glu1535Gly; replaces glutamic acid 1535 with glycine.
Molecular consequence: missense variant.
Genome position (GRCh38, 1-based): chr14:45,185,305, A>G. VCF-style: chr14-45185305-A-G. GRCh37 (hg19) VCF-style: chr14-45654508-A-G.
Other names: c.4526A>G, p.Glu1509Gly (NM_001308133.2); short protein forms E1509G, E1535G.
Identifiers: ClinVar variation 4619567 (VCV004619567.1).